The following is an entry in ClinVar:

NM_001009944.3(PKD1):c.4764C>T (p.Cys1588=)

Gene: PKD1 (polycystin 1, transient receptor potential channel interacting; minus strand). Cytogenetic location: 16p13.3.
Variant type: single nucleotide variant.
Coding change: c.4764C>T on transcript NM_001009944.3 (MANE Select); coding-DNA position 4764, C replaced by T.
Protein change: p.Cys1588=; no amino-acid change (cysteine 1588 retained).
Molecular consequence: synonymous variant.
Genome position (GRCh38, 1-based): chr16:2,110,403, G>A on the plus strand (C>T on the coding strand, the complement: PKD1 is on the minus strand). VCF-style: chr16-2110403-G-A. GRCh37 (hg19) VCF-style: chr16-2160404-G-A.
Other names: c.4764C>T, p.Cys1588= (NM_000296.4).
Identifiers: ClinVar variation 3032292 (VCV003032292.4), dbSNP rs376144237, ClinGen allele CA7832261.
Genomic context (GRCh38, chr16:2,110,403, plus strand): 5'-ATTGAAGGTGCCCACGGAGCGGAAGGTGTAAGAGATGGTAGGACCCCCAGGGATGGGCGT[G>A]CAGCGGTCACAGAGCACCCAGGAATAGCGCACATCACTGCCGGCCTCCAGCGACGTGCTG-3'
Protein context (NP_001009944.3, residues 1578-1598): VRYSWVLCDR[Cys1588=]TPIPGGPTIS

ClinVar aggregate classification (germline): Conflicting classifications of pathogenicity. Review status: criteria provided, conflicting classifications (1 of 4 stars). 3 submissions from 3 submitters: Uncertain significance (1); Likely benign (1). 1 of the submissions does not count toward it. Last evaluated 2024-03-20.

Conditions:
PKD1-related disorder. Also called: PKD1-related condition.
Polycystic kidney disease, adult type (PKD1). Also called: Polycystic Kidney Disease 1, Autosomal Dominant; Polycystic kidney disease 1; Polycystic kidney disease 1, severe; Polycystic Kidney, Autosomal Dominant; POLYCYSTIC KIDNEY DISEASE 1 WITH OR WITHOUT POLYCYSTIC LIVER DISEASE; POLYCYSTIC KIDNEY DISEASE, ADULT, TYPE I. Identifiers: MedGen C3149841, MONDO:0008263, OMIM 173900.

Allele frequency attached by ClinVar (database versions not stated): gnomAD 0.00001; gnomAD exomes 0.00002; TOPMed 0.00002; ExAC 0.00005; ESP Exome Variant Server 0.00008.
gnomAD v4.1: 25 of 1,612,516 alleles (0.0016%); highest among the groups gnomAD compares: Non-Finnish European, 0.002%; no homozygotes.

Submissions (3):

Blueprint Genetics
Classification: Likely benign. Last evaluated: 2024-03-20. Review status: criteria provided, single submitter. Criteria: ACMG Guidelines, 2015. Collection method: clinical testing. Allele origin: germline.

Department of Pathology and Laboratory Medicine, Sinai Health System
Classification: Uncertain significance for Polycystic kidney disease, adult type. Last evaluated: 2022-12-01. Review status: criteria provided, single submitter. Criteria: ACMG Guidelines, 2015. Collection method: clinical testing. Allele origin: germline.

PreventionGenetics, part of Exact Sciences
Classification: Likely benign for PKD1-related condition. Last evaluated: 2023-01-13. Review status: no assertion criteria provided. Collection method: clinical testing. Allele origin: germline. Not counted in ClinVar's aggregate classification.
Comment: This variant is classified as likely benign based on ACMG/AMP sequence variant interpretation guidelines (Richards et al. 2015 PMID: 25741868, with internal and published modifications).